The following is an entry in ClinVar:

ClinVar aggregate classification (germline): Uncertain significance (1 of 4 stars; one submission).

Conditions:
Walker-Warburg congenital muscular dystrophy. Also called: Muscular dystrophy-dystroglycanopathy, type A; Walker-Warburg syndrome. Identifiers: Orphanet 899, MedGen C0265221, MONDO:0000171.

Submission:

Labcorp Genetics (formerly Invitae), Labcorp
Classification: Uncertain significance for Walker-Warburg congenital muscular dystrophy. Last evaluated: 2019-12-27. Review status: criteria provided, single submitter. Criteria: Invitae Variant Classification Sherloc (09022015). Collection method: clinical testing. Allele origin: germline.
Comment: This variant is not present in population databases (ExAC no frequency). This sequence change replaces threonine with isoleucine at codon 386 of the FKTN protein (p.Thr386Ile). The threonine residue is weakly conserved and there is a moderate physicochemical difference between threonine and isoleucine. This variant has not been reported in the literature in individuals with FKTN-related conditions. In summary, the available evidence is currently insufficient to determine the role of this variant in disease. Therefore, it has been classified as a Variant of Uncertain Significance. Algorithms developed to predict the effect of missense changes on protein structure and function are either unavailable or do not agree on the potential impact of this missense change (SIFT: "Deleterious"; PolyPhen-2: "Possibly Damaging"; Align-GVGD: "Class C15").

NM_001079802.2(FKTN):c.1157C>T (p.Thr386Ile)

Gene: FKTN (fukutin; plus strand). Cytogenetic location: 9q31.2.
Variant type: single nucleotide variant.
Coding change: c.1157C>T on transcript NM_001079802.2 (MANE Select); coding-DNA position 1157, C replaced by T.
Protein change: p.Thr386Ile; replaces threonine 386 with isoleucine.
Molecular consequence: missense variant. On other transcripts: non-coding transcript variant (2).
Genome position (GRCh38, 1-based): chr9:105,620,046, C>T. VCF-style: chr9-105620046-C-T. GRCh37 (hg19) VCF-style: chr9-108382327-C-T.
Other names: c.1157C>T, p.Thr386Ile (NM_001198963.2, NM_001351496.2, NM_001351498.2 and 1 more transcripts); c.1088C>T, p.Thr363Ile (NM_001351497.2); c.761C>T, p.Thr254Ile (NM_001351499.2, NM_001351500.2, NM_001351501.2 and 1 more transcripts); short protein forms T254I, T363I, T386I.
Identifiers: ClinVar variation 861149 (VCV000861149.10), dbSNP rs1831566546, ClinGen allele CA374377955.
Genomic context (GRCh38, chr9:105,620,046, plus strand): 5'-ATGTTTTTTTCTTCTATGAAGAAACTGATCACATGTGGAATGGAGGCACTCAGGCCAAAA[C>T]AGGAAAAAAATTCAAGTATGAATCAAATAAGTACTTATTTATAAAGGTACTACAGAAATA-3'
Protein context (NP_001073270.1, residues 376-396): HMWNGGTQAK[Thr386Ile]GKKFKYLFPK